The following is an entry in ClinVar:

NM_000293.3(PHKB):c.2839C>T (p.Gln947Ter)

Gene: PHKB (phosphorylase kinase regulatory subunit beta; plus strand). Cytogenetic location: 16q12.1.
Variant type: single nucleotide variant.
Coding change: c.2839C>T on transcript NM_000293.3 (MANE Select); coding-DNA position 2839, C replaced by T.
Protein change: p.Gln947Ter; replaces glutamine 947 with a stop codon.
Molecular consequence: nonsense.
Genome position (GRCh38, 1-based): chr16:47,693,451, C>T. VCF-style: chr16-47693451-C-T. GRCh37 (hg19) VCF-style: chr16-47727362-C-T.
Other names: c.2818C>T, p.Gln940Ter (NM_001031835.3); c.2839C>T, p.Gln947Ter (NM_001363837.1); short protein forms Q940*, Q947*.
Identifiers: ClinVar variation 2501064 (VCV002501064.4), dbSNP rs763501714, ClinGen allele CA8041344.
Genomic context (GRCh38, chr16:47,693,451, plus strand): 5'-AGGCGTCAGATCGATGGGTCTTTGAATAGAACTCCCACCGGGTTCTATGACCGAGTGTGG[C>T]AGATTCTGGAGCGCACGCCCAATGGGATCATTGTTGCTGGGAAGCATTTGCCTCAGGTAA-3'

ClinVar aggregate classification (germline): Pathogenic. Review status: criteria provided, multiple submitters, no conflicts (2 of 4 stars). 2 submissions from 2 submitters: Pathogenic (2). Last evaluated 2024-12-19.

Conditions:
Glycogen storage disease IXb (GSD9B). Also called: GLYCOGENOSIS OF LIVER AND MUSCLE, AUTOSOMAL RECESSIVE; GSD IXb; PHOSPHORYLASE KINASE DEFICIENCY OF LIVER AND MUSCLE, AUTOSOMAL RECESSIVE. Identifiers: Orphanet 79240, MedGen C0543514, MONDO:0009868, OMIM 261750.
Glycogen phosphorylase kinase deficiency. Also called: Phosphorylase Kinase Deficiency; Glycogen Storage Disease Type IX. Identifiers: Orphanet 370, MedGen C0268147, MONDO:0700291.

Allele frequency attached by ClinVar (database versions not stated): TOPMed below 0.00001; ExAC 0.00001; gnomAD 0.00001; gnomAD exomes 0.00001.
gnomAD v4.1: 12 of 1,613,914 alleles (0.00074%); highest among the groups gnomAD compares: African/African-American, 0.0013%; no homozygotes.

Submissions (2):

Labcorp Genetics (formerly Invitae), Labcorp
Classification: Pathogenic for Glycogen storage disease IXb. Last evaluated: 2024-12-19. Review status: criteria provided, single submitter. Criteria: Invitae Variant Classification Sherloc (09022015). Collection method: clinical testing. Allele origin: germline.
Comment: This sequence change creates a premature translational stop signal (p.Gln947*) in the PHKB gene. It is expected to result in an absent or disrupted protein product. Loss-of-function variants in PHKB are known to be pathogenic (PMID: 9215682, 9326319). This variant is present in population databases (rs763501714, gnomAD 0.0009%). This premature translational stop signal has been observed in individual(s) with glycogen storage disease, type IXb (PMID: 25266922). ClinVar contains an entry for this variant (Variation ID: 2501064). For these reasons, this variant has been classified as Pathogenic.

Women's Health and Genetics/Laboratory Corporation of America, LabCorp
Classification: Pathogenic for Glycogen phosphorylase kinase deficiency. Last evaluated: 2023-03-07. Review status: criteria provided, single submitter. Criteria: LabCorp Variant Classification Summary - May 2015. Collection method: clinical testing. Allele origin: germline.
Comment: Variant summary: PHKB c.2839C>T (p.Gln947X) results in a premature termination codon, predicted to cause a truncation of the encoded protein or absence of the protein due to nonsense mediated decay, which are commonly known mechanisms for disease. The variant allele was found at a frequency of 4e-06 in 251086 control chromosomes (gnomAD). c.2839C>T has been reported in the literature in the homozygous state in two siblings affected with Glycogen Phosphorylase Kinase Deficiency (glycogen storage disease type IX)(Roscher_2014). These data indicate that the variant is likely to be associated with disease. Measurement of PhK enzyme activity in red blood cells from these two homozygous individuals showed that the variant effect results in 10%-<35% of normal activity (Roscher_2014). No clinical diagnostic laboratories have submitted clinical-significance assessments for this variant to ClinVar after 2014. Based on the evidence outlined above, the variant was classified as pathogenic.

Literature cited by the submitters: PubMed 9215682 (cited by Labcorp Genetics (formerly Invitae), Labcorp); PubMed 9326319 (cited by Labcorp Genetics (formerly Invitae), Labcorp); PubMed 25266922 (cited by Labcorp Genetics (formerly Invitae), Labcorp and Women's Health and Genetics/Laboratory Corporation of America, LabCorp).